The following is an entry in ClinVar:

ClinVar aggregate classification (germline): Likely pathogenic (1 of 4 stars; one submission).

Conditions:
Monogenic hearing loss.

Submission:

Genetics Laboratory, Great Ormond Street Hospital NHS Foundation Trust, North Thames Genomic Laboratory Hub
Classification: Likely pathogenic for Monogenic hearing loss. Last evaluated: 2025-09-05. Review status: criteria provided, single submitter. Criteria: ACGS Best Practice Guidelines for Variant Classification in Rare Disease 2024 v1.2. Collection method: clinical testing. Allele origin: germline. Affected: yes.
Comment: PM2_moderate, PVS1_strong

NM_003672.4(CDC14A):c.6dup (p.Ala3fs)

Gene: CDC14A (cell division cycle 14A; plus strand). Cytogenetic location: 1p21.2.
Variant type: Duplication.
Coding change: c.6dup on transcript NM_003672.4 (MANE Select); coding-DNA position 6, one base duplicated (A; older notation c.6dupA).
Protein change: p.Ala3fs; shifts the reading frame from alanine 3.
Molecular consequence: frameshift variant. On other transcripts: 5 prime UTR variant (1), intron variant (1).
Genome position (GRCh38, 1-based): chr1:100,352,960, A duplicated. VCF-style (leftmost placement, unchanged base first): chr1-100352959-C-CA. GRCh37 (hg19) VCF-style: chr1-100818515-C-CA.
Other names: c.6dup, p.Ala3fs (NM_001319210.2, NM_033312.3, NM_033313.3); c.-786dup (NM_001319212.2); c.-125-802dup (NM_001319211.2); short protein forms A3fs.
Identifiers: ClinVar variation 4526676 (VCV004526676.1).